The following is an entry in ClinVar:

ClinVar aggregate classification (germline): Pathogenic/Likely pathogenic. Review status: criteria provided, multiple submitters, no conflicts (2 of 4 stars). 3 submissions from 3 submitters: Pathogenic (2); Likely pathogenic (1). Last evaluated 2023-06-22.

Conditions:
Kabuki syndrome 2 (KABUK2). Also called: KDM6A-Related Kabuki Syndrome. Identifiers: Orphanet 2322, MedGen C3275495, MONDO:0010465, OMIM 300867.

Submissions (3):

GeneDx
Classification: Pathogenic. Last evaluated: 2023-06-22. Review status: criteria provided, single submitter. Criteria: GeneDx Variant Classification Process June 2021. Collection method: clinical testing. Allele origin: germline. Affected: yes.
Comment: Nonsense variant predicted to result in protein truncation or nonsense mediated decay in a gene for which loss of function is a known mechanism of disease; Not observed at significant frequency in large population cohorts (gnomAD); This variant is associated with the following publications: (PMID: 33674768)

3billion
Classification: Pathogenic for Kabuki syndrome 2. Last evaluated: 2023-06-01. Review status: criteria provided, single submitter. Criteria: ACMG Guidelines, 2015. Collection method: clinical testing. Allele origin: germline. Affected: yes.
Comment: The variant is not observed in the gnomAD v2.1.1 dataset. Predicted Consequence/Location: Stop-gained (nonsense): predicted to result in a loss or disruption of normal protein function through nonsense-mediated decay (NMD) or protein truncation. Multiple pathogenic variants are reported downstream of the variant. The variant has been reported to be associated with KDM6A related disorder (ClinVar ID: VCV001324613 /PMID: 33674768). Therefore, this variant is classified as Pathogenic according to the recommendation of ACMG/AMP guideline.

Revvity Omics, Revvity
Classification: Likely pathogenic for Kabuki syndrome 2. Last evaluated: 2021-10-05. Review status: criteria provided, single submitter. Criteria: ACMG Guidelines, 2015. Collection method: clinical testing. Allele origin: germline.

Literature cited by the submitters: PubMed 33674768 (cited by 3billion).

NM_001291415.2(KDM6A):c.3793C>T (p.Arg1265Ter)

Gene: KDM6A (lysine demethylase 6A; plus strand). Cytogenetic location: Xp11.3.
Variant type: single nucleotide variant.
Coding change: c.3793C>T on transcript NM_001291415.2 (MANE Select); coding-DNA position 3793, C replaced by T.
Protein change: p.Arg1265Ter; replaces arginine 1265 with a stop codon.
Molecular consequence: nonsense. On other transcripts: non-coding transcript variant (1).
Genome position (GRCh38, 1-based): chrX:45,089,831, C>T. VCF-style: chrX-45089831-C-T. GRCh37 (hg19) VCF-style: chrX-44949076-C-T.
Other names: c.3400C>T, p.Arg1134Ter (NM_001291418.2); c.2749C>T, p.Arg917Ter (NM_001291421.2); c.3637C>T, p.Arg1213Ter (NM_021140.4); c.3658C>T, p.Arg1220Ter (NM_001291416.2); c.3502C>T, p.Arg1168Ter (NM_001291417.2); c.3637C>T (NM_021140.2); short protein forms R1134*, R1168*, R1213*, R1220*, R1265*, R917*.
Identifiers: ClinVar variation 1324613 (VCV001324613.6), dbSNP rs2148193855, ClinGen allele CA412807107.